The following is an entry in ClinVar:

ClinVar aggregate classification (germline): Uncertain significance (1 of 4 stars; one submission).

Conditions:
TNF receptor-associated periodic fever syndrome (TRAPS) (FPF). Also called: Autosomal Dominant Familial Periodic Fever; FAMILIAL HIBERNIAN FEVER; TNF RECEPTOR-ASSOCIATED PERIODIC SYNDROME; TUMOR NECROSIS FACTOR RECEPTOR-ASSOCIATED PERIODIC SYNDROME; TNF Receptor-Associated Periodic Fever Syndrome; TNF receptor 1-associated periodic fever syndrome. Identifiers: Orphanet 32960, MedGen C1275126, MONDO:0007727, OMIM 142680.

Submission:

Labcorp Genetics (formerly Invitae), Labcorp
Classification: Uncertain significance for TNF receptor-associated periodic fever syndrome (TRAPS). Last evaluated: 2022-02-10. Review status: criteria provided, single submitter. Criteria: Invitae Variant Classification Sherloc (09022015). Collection method: clinical testing. Allele origin: germline.
Comment: Advanced modeling of protein sequence and biophysical properties (such as structural, functional, and spatial information, amino acid conservation, physicochemical variation, residue mobility, and thermodynamic stability) performed at Invitae indicates that this missense variant is not expected to disrupt TNFRSF1A protein function. In summary, the available evidence is currently insufficient to determine the role of this variant in disease. Therefore, it has been classified as a Variant of Uncertain Significance. This sequence change replaces aspartic acid, which is acidic and polar, with asparagine, which is neutral and polar, at codon 80 of the TNFRSF1A protein (p.Asp80Asn). This variant is not present in population databases (gnomAD no frequency). This variant has not been reported in the literature in individuals affected with TNFRSF1A-related conditions.

NM_001065.4(TNFRSF1A):c.238G>A (p.Asp80Asn)

Gene: TNFRSF1A (TNF receptor superfamily member 1A; minus strand). Cytogenetic location: 12p13.31.
Variant type: single nucleotide variant.
Coding change: c.238G>A on transcript NM_001065.4 (MANE Select); coding-DNA position 238, G replaced by A.
Protein change: p.Asp80Asn; replaces aspartic acid 80 with asparagine.
Molecular consequence: missense variant. On other transcripts: 5 prime UTR variant (2), non-coding transcript variant (1).
Genome position (GRCh38, 1-based): chr12:6,333,821, C>T on the plus strand (G>A on the coding strand, the complement: TNFRSF1A is on the minus strand). VCF-style: chr12-6333821-C-T. GRCh37 (hg19) VCF-style: chr12-6442987-C-T.
Other names: c.-87G>A (NM_001346091.2); c.-340G>A (NM_001346092.2); short protein forms D80N.
Identifiers: ClinVar variation 1462274 (VCV001462274.8), dbSNP rs1948084094, ClinGen allele CA383550640.